The following is an entry in ClinVar:

NM_016107.5(ZFR):c.2000A>G (p.Tyr667Cys)

Gene: ZFR (zinc finger RNA binding protein; minus strand). Cytogenetic location: 5p13.3.
Variant type: single nucleotide variant.
Coding change: c.2000A>G on transcript NM_016107.5 (MANE Select); coding-DNA position 2000, A replaced by G.
Protein change: p.Tyr667Cys; replaces tyrosine 667 with cysteine.
Molecular consequence: missense variant. On other transcripts: non-coding transcript variant (1).
Genome position (GRCh38, 1-based): chr5:32,390,417, T>C on the plus strand (A>G on the coding strand, the complement: ZFR is on the minus strand). VCF-style: chr5-32390417-T-C. GRCh37 (hg19) VCF-style: chr5-32390523-T-C.
Other names: short protein forms Y667C.
Identifiers: ClinVar variation 4749099 (VCV004749099.1).

ClinVar aggregate classification (germline): Uncertain significance (1 of 4 stars; one submission).

Conditions:
Pure or complex autosomal recessive spastic paraplegia. Identifiers: Orphanet 320346, MedGen C5679887, MONDO:0017915.

gnomAD v4.1: 2 of 1,614,040 alleles (0.00012%); highest among the groups gnomAD compares: Non-Finnish European, 0.000085%; no homozygotes.

Submission:

Labcorp Genetics (formerly Invitae), Labcorp
Classification: Uncertain significance for Pure or complex autosomal recessive spastic paraplegia. Last evaluated: 2025-02-11. Review status: criteria provided, single submitter. Criteria: Invitae Variant Classification Sherloc (09022015). Collection method: clinical testing. Allele origin: germline.
Comment: This sequence change replaces tyrosine, which is neutral and polar, with cysteine, which is neutral and slightly polar, at codon 667 of the ZFR protein (p.Tyr667Cys). This variant is not present in population databases (gnomAD no frequency). This variant has not been reported in the literature in individuals affected with ZFR-related conditions. Experimental studies and prediction algorithms are not available or were not evaluated, and the functional significance of this variant is currently unknown. In summary, the available evidence is currently insufficient to determine the role of this variant in disease. Therefore, it has been classified as a Variant of Uncertain Significance.